The following is an entry in ClinVar:

ClinVar aggregate classification (germline): Uncertain significance. Review status: criteria provided, multiple submitters, no conflicts (2 of 4 stars). 4 submissions from 4 submitters: Uncertain significance (4). Last evaluated 2025-01-18.

Conditions:
Inborn genetic diseases. Identifiers: MedGen C0950123, MeSH D030342.
Congenital myotonia, autosomal recessive form. Also called: myotonia congenita, autosomal recessive; BECKER DISEASE; Becker Generalized Myotonia. Identifiers: Orphanet 614, MedGen C0751360, MONDO:0009715, OMIM 255700.
Congenital myotonia, autosomal dominant form (THD). Also called: THOMSEN DISEASE; Myotonia congenita autosomal dominant. Identifiers: Orphanet 614, MedGen C2936781, MONDO:0008055, OMIM 160800.

Allele frequency attached by ClinVar (database versions not stated): gnomAD exomes 0.00001; gnomAD 0.00008 and 0.00009; TOPMed 0.00010.
gnomAD v4.1: 32 of 1,613,402 alleles (0.002%); highest among the groups gnomAD compares: African/African-American, 0.038%; no homozygotes.

Submissions (4):

Ambry Genetics
Classification: Uncertain significance for Inborn genetic diseases. Last evaluated: 2025-01-18. Review status: criteria provided, single submitter. Criteria: Ambry Variant Classification Scheme 2023. Collection method: clinical testing. Allele origin: germline.

Labcorp Genetics (formerly Invitae), Labcorp
Classification: Uncertain significance for Congenital myotonia, autosomal recessive form; Congenital myotonia, autosomal dominant form. Last evaluated: 2024-09-23. Review status: criteria provided, single submitter. Criteria: Invitae Variant Classification Sherloc (09022015). Collection method: clinical testing. Allele origin: germline.
Comment: This sequence change replaces isoleucine, which is neutral and non-polar, with valine, which is neutral and non-polar, at codon 182 of the CLCN1 protein (p.Ile182Val). This variant is present in population databases (no rsID available, gnomAD 0.02%). This variant has not been reported in the literature in individuals affected with CLCN1-related conditions. ClinVar contains an entry for this variant (Variation ID: 422168). Invitae Evidence Modeling of protein sequence and biophysical properties (such as structural, functional, and spatial information, amino acid conservation, physicochemical variation, residue mobility, and thermodynamic stability) indicates that this missense variant is not expected to disrupt CLCN1 protein function with a negative predictive value of 95%. In summary, the available evidence is currently insufficient to determine the role of this variant in disease. Therefore, it has been classified as a Variant of Uncertain Significance.

Revvity Omics, Revvity
Classification: Uncertain significance. Last evaluated: 2022-04-07. Review status: criteria provided, single submitter. Criteria: ACMG Guidelines, 2015. Collection method: clinical testing. Allele origin: germline.

GeneDx
Classification: Uncertain significance. Last evaluated: 2016-09-26. Review status: criteria provided, single submitter. Criteria: GeneDx Variant Classification (06012015). Collection method: clinical testing. Allele origin: germline. Affected: yes.
Comment: A variant of uncertain significance has been identified in the CLCN1 gene. The I182V variant has not been published as a pathogenic variant, nor has it been reported as a benign variant to our knowledge. It was not observed in approximately 6,500 individuals of European and African American ancestry in the NHLBI Exome Sequencing Project, indicating it is not a common benign variant in these populations. The I182V variant is a conservative amino acid substitution, which is not likely to impact secondary protein structure as these residues share similar properties. This substitution occurs at a position where amino acids with similar properties to Isoleucine are tolerated across species. In silico analysis is inconsistent in its predictions as to whether or not the variant is damaging to the protein structure/function. Based on the currently available information, it is unclear whether this variant is a pathogenic variant or a rare benign variant.

NM_000083.3(CLCN1):c.544A>G (p.Ile182Val)

Gene: CLCN1 (chloride voltage-gated channel 1; plus strand). Cytogenetic location: 7q34.
Variant type: single nucleotide variant.
Coding change: c.544A>G on transcript NM_000083.3 (MANE Select); coding-DNA position 544, A replaced by G.
Protein change: p.Ile182Val; replaces isoleucine 182 with valine.
Molecular consequence: missense variant. On other transcripts: non-coding transcript variant (1).
Genome position (GRCh38, 1-based): chr7:143,321,475, A>G. VCF-style: chr7-143321475-A-G. GRCh37 (hg19) VCF-style: chr7-143018568-A-G.
Other names: short protein forms I182V.
Identifiers: ClinVar variation 422168 (VCV000422168.15), dbSNP rs969430772, ClinGen allele CA16618362.